The following is an entry in ClinVar:

NM_003659.4(AGPS):c.1380A>C (p.Pro460=)

Gene: AGPS (alkylglycerone phosphate synthase; plus strand). Cytogenetic location: 2q31.2.
Variant type: single nucleotide variant.
Coding change: c.1380A>C on transcript NM_003659.4 (MANE Select); coding-DNA position 1380, A replaced by C.
Protein change: p.Pro460=; no amino-acid change (proline 460 retained).
Molecular consequence: synonymous variant.
Genome position (GRCh38, 1-based): chr2:177,499,635, A>C. VCF-style: chr2-177499635-A-C. GRCh37 (hg19) VCF-style: chr2-178364363-A-C.
Identifiers: ClinVar variation 289429 (VCV000289429.52), dbSNP rs148418568, ClinGen allele CA1980324.

ClinVar aggregate classification (germline): Conflicting classifications of pathogenicity. Review status: criteria provided, conflicting classifications (1 of 4 stars). 6 submissions from 6 submitters: Uncertain significance (1); Likely benign (5). Last evaluated 2026-05-01.

Conditions:
Rhizomelic chondrodysplasia punctata type 3 (RCDP3). Also called: Alkylglycerone Phosphate Synthase (AGPS) deficiency; ALKYLDIHYDROXYACETONEPHOSPHATE SYNTHASE DEFICIENCY. Identifiers: Orphanet 177, Orphanet 309803, MedGen C1838612, MONDO:0010823, OMIM 600121. Disease mechanism: loss of function.

Allele frequency attached by ClinVar (database versions not stated): ESP Exome Variant Server 0.00008; gnomAD exomes 0.00032 and 0.00060; 1000 Genomes Project 0.00040; 1000 Genomes Project 30x 0.00047; ExAC 0.00051; gnomAD 0.00062; TOPMed 0.00068.
gnomAD v4.1: 596 of 1,610,246 alleles (0.037%); highest among the groups gnomAD compares: Middle Eastern, 0.81%; 3 homozygotes.

Submissions (6):

CeGaT Center for Human Genetics Tuebingen
Classification: Likely benign. Last evaluated: 2026-05-01. Review status: criteria provided, single submitter. Criteria: CeGaT Center For Human Genetics Tuebingen Variant Classification Criteria Version 2. Collection method: clinical testing. Allele origin: germline. Affected: yes. Observed: 2 variant alleles.
Comment: AGPS: BP4, BP7

Labcorp Genetics (formerly Invitae), Labcorp
Classification: Likely benign. Last evaluated: 2026-01-17. Review status: criteria provided, single submitter. Criteria: Invitae Variant Classification Sherloc (09022015). Collection method: clinical testing. Allele origin: germline.

Blueprint Genetics
Classification: Likely benign. Last evaluated: 2024-11-08. Review status: criteria provided, single submitter. Criteria: ACMG Guidelines, 2015. Collection method: clinical testing. Allele origin: germline.

ARUP Laboratories, Molecular Genetics and Genomics, ARUP Laboratories
Classification: Likely benign for Rhizomelic chondrodysplasia punctata type 3. Last evaluated: 2019-01-03. Review status: criteria provided, single submitter. Criteria: ARUP Molecular Germline Variant Investigation Process. Collection method: clinical testing. Allele origin: germline.

Illumina Laboratory Services, Illumina
Classification: Uncertain significance for Rhizomelic chondrodysplasia punctata type 3. Last evaluated: 2018-01-12. Review status: criteria provided, single submitter. Criteria: ICSL Variant Classification Criteria 13 December 2019. Collection method: clinical testing. Allele origin: germline.

Eurofins Ntd Llc (ga)
Classification: Likely benign. Last evaluated: 2017-04-18. Review status: criteria provided, single submitter. Criteria: EGL Classification Definitions 2015. Collection method: clinical testing. Allele origin: germline. Observed: 3 variant alleles, 3 heterozygotes.